The following is an entry in ClinVar:

ClinVar aggregate classification (germline): Uncertain significance (1 of 4 stars; one submission).

Allele frequency attached by ClinVar (database versions not stated): gnomAD exomes below 0.00001.
gnomAD v4.1: 3 of 1,609,998 alleles (0.00019%); highest among the groups gnomAD compares: Non-Finnish European, 0.00017%; no homozygotes.

Submission:

Labcorp Genetics (formerly Invitae), Labcorp
Classification: Uncertain significance. Last evaluated: 2022-08-24. Review status: criteria provided, single submitter. Criteria: Invitae Variant Classification Sherloc (09022015). Collection method: clinical testing. Allele origin: germline.
Comment: This sequence change replaces arginine, which is basic and polar, with tryptophan, which is neutral and slightly polar, at codon 187 of the NFKB1 protein (p.Arg187Trp). This variant is not present in population databases (gnomAD no frequency). This variant has not been reported in the literature in individuals affected with NFKB1-related conditions. Algorithms developed to predict the effect of missense changes on protein structure and function are either unavailable or do not agree on the potential impact of this missense change (SIFT: "Deleterious"; PolyPhen-2: "Possibly Damaging"; Align-GVGD: "Class C0"). In summary, the available evidence is currently insufficient to determine the role of this variant in disease. Therefore, it has been classified as a Variant of Uncertain Significance.

NM_003998.4(NFKB1):c.559C>T (p.Arg187Trp)

Gene: NFKB1 (nuclear factor kappa B subunit 1; plus strand). Cytogenetic location: 4q24.
Variant type: single nucleotide variant.
Coding change: c.559C>T on transcript NM_003998.4 (MANE Select); coding-DNA position 559, C replaced by T.
Protein change: p.Arg187Trp; replaces arginine 187 with tryptophan.
Molecular consequence: missense variant.
Genome position (GRCh38, 1-based): chr4:102,577,027, C>T. VCF-style: chr4-102577027-C-T. GRCh37 (hg19) VCF-style: chr4-103498184-C-T.
Other names: c.556C>T, p.Arg186Trp (NM_001165412.2, NM_001319226.2, NM_001382627.1); c.559C>T, p.Arg187Trp (NM_001382625.1, NM_001382626.1); c.517C>T, p.Arg173Trp (NM_001382628.1); short protein forms R173W, R186W, R187W.
Identifiers: ClinVar variation 2102866 (VCV002102866.4), dbSNP rs2476404078, ClinGen allele CA357959372.